The following is an entry in ClinVar:

ClinVar aggregate classification (germline): Uncertain significance (1 of 4 stars; one submission).

gnomAD v4.1: 6 of 1,614,170 alleles (0.00037%); highest among the groups gnomAD compares: South Asian, 0.0044%; no homozygotes.

Submission:

Ambry Genetics
Classification: Uncertain significance. Last evaluated: 2022-03-03. Review status: criteria provided, single submitter. Criteria: Ambry Variant Classification Scheme 2023. Collection method: clinical testing. Allele origin: germline.
Comment: The p.P315T variant (also known as c.943C>A), located in coding exon 8 of the PDLIM3 gene, results from a C to A substitution at nucleotide position 943. The proline at codon 315 is replaced by threonine, an amino acid with highly similar properties. This amino acid position is conserved. In addition, this alteration is predicted to be deleterious by in silico analysis. Since supporting evidence is limited at this time, the clinical significance of this alteration remains unclear.

NM_014476.6(PDLIM3):c.943C>A (p.Pro315Thr)

Gene: PDLIM3 (PDZ and LIM domain 3; minus strand). Cytogenetic location: 4q35.1.
Variant type: single nucleotide variant.
Coding change: c.943C>A on transcript NM_014476.6 (MANE Select); coding-DNA position 943, C replaced by A.
Protein change: p.Pro315Thr; replaces proline 315 with threonine.
Molecular consequence: missense variant. On other transcripts: non-coding transcript variant (1).
Genome position (GRCh38, 1-based): chr4:185,502,446, G>T on the plus strand (C>A on the coding strand, the complement: PDLIM3 is on the minus strand). VCF-style: chr4-185502446-G-T. GRCh37 (hg19) VCF-style: chr4-186423600-G-T.
Other names: c.799C>A, p.Pro267Thr (NM_001114107.5); c.679C>A, p.Pro227Thr (NM_001257962.2); c.442C>A, p.Pro148Thr (NM_001257963.2); short protein forms P315T, P148T, P267T, P227T.
Identifiers: ClinVar variation 1766959 (VCV001766959.2), dbSNP rs780511861, ClinGen allele CA3159629.